The following is an entry in ClinVar:

NM_000844.4(GRM7):c.883A>G (p.Ile295Val)

Gene: GRM7 (glutamate metabotropic receptor 7; plus strand). Cytogenetic location: 3p26.1.
Variant type: single nucleotide variant.
Coding change: c.883A>G on transcript NM_000844.4 (MANE Select); coding-DNA position 883, A replaced by G.
Protein change: p.Ile295Val; replaces isoleucine 295 with valine.
Molecular consequence: missense variant.
Genome position (GRCh38, 1-based): chr3:7,306,502, A>G. VCF-style: chr3-7306502-A-G. GRCh37 (hg19) VCF-style: chr3-7348189-A-G.
Other names: c.883A>G, p.Ile295Val (NM_181874.3); short protein forms I295V.
Identifiers: ClinVar variation 2330435 (VCV002330435.3), dbSNP rs961639252, ClinGen allele CA70171789.

ClinVar aggregate classification (germline): Uncertain significance. Review status: criteria provided, multiple submitters, no conflicts (2 of 4 stars). 2 submissions from 2 submitters: Uncertain significance (2). Last evaluated 2023-01-25.

Conditions:
Inborn genetic diseases. Identifiers: MedGen C0950123, MeSH D030342.

Allele frequency attached by ClinVar (database versions not stated): TOPMed below 0.00001; gnomAD 0.00001.
gnomAD v4.1: 1 of 1,613,534 alleles (0.000062%); highest among the groups gnomAD compares: African/African-American, 0.0013%; no homozygotes.

Submissions (2):

GeneDx
Classification: Uncertain significance. Last evaluated: 2023-01-25. Review status: criteria provided, single submitter. Criteria: GeneDx Variant Classification Process June 2021. Collection method: clinical testing. Allele origin: germline. Affected: yes.
Comment: In silico analysis supports that this missense variant does not alter protein structure/function; Has not been previously published as pathogenic or benign to our knowledge

Ambry Genetics
Classification: Uncertain significance for Inborn genetic diseases. Last evaluated: 2022-12-01. Review status: criteria provided, single submitter. Criteria: Ambry Variant Classification Scheme 2023. Collection method: clinical testing. Allele origin: germline.